The following is an entry in ClinVar:

ClinVar aggregate classification (germline): Uncertain significance (1 of 4 stars; one submission).

Conditions:
Inborn genetic diseases. Identifiers: MedGen C0950123, MeSH D030342.

gnomAD v4.1: 37 of 1,612,788 alleles (0.0023%); highest among the groups gnomAD compares: Non-Finnish European, 0.0031%; no homozygotes.

Submission:

Ambry Genetics
Classification: Uncertain significance for Inborn genetic diseases. Last evaluated: 2024-12-02. Review status: criteria provided, single submitter. Criteria: Ambry Variant Classification Scheme 2023. Collection method: clinical testing. Allele origin: germline.
Comment: The p.Y787C variant (also known as c.2360A>G), located in coding exon 20 of the KDM1A gene, results from an A to G substitution at nucleotide position 2360. The tyrosine at codon 787 is replaced by cysteine, an amino acid with highly dissimilar properties. This amino acid position is conserved. In addition, this alteration is predicted to be deleterious by in silico analysis. Based on the available evidence, the clinical significance of this variant remains unclear.

NM_001009999.3(KDM1A):c.2360A>G (p.Tyr787Cys)

Gene: KDM1A (lysine demethylase 1A; plus strand). Cytogenetic location: 1p36.12.
Variant type: single nucleotide variant.
Coding change: c.2360A>G on transcript NM_001009999.3 (MANE Select); coding-DNA position 2360, A replaced by G.
Protein change: p.Tyr787Cys; replaces tyrosine 787 with cysteine.
Molecular consequence: missense variant.
Genome position (GRCh38, 1-based): chr1:23,082,281, A>G. VCF-style: chr1-23082281-A-G. GRCh37 (hg19) VCF-style: chr1-23408774-A-G.
Other names: c.2306A>G, p.Tyr769Cys (NM_001363654.2); c.2366A>G, p.Tyr789Cys (NM_001410762.1); c.2288A>G, p.Tyr763Cys (NM_001410763.1, NM_015013.4); short protein forms Y787C, Y789C, Y769C, Y763C.
Identifiers: ClinVar variation 3532962 (VCV003532962.1).